The following is an entry in ClinVar:

NM_005739.4(RASGRP1):c.811C>T (p.Arg271Ter)

Gene: RASGRP1 (RAS guanyl releasing protein 1; minus strand). Cytogenetic location: 15q14.
Variant type: single nucleotide variant.
Coding change: c.811C>T on transcript NM_005739.4 (MANE Select); coding-DNA position 811, C replaced by T.
Protein change: p.Arg271Ter; replaces arginine 271 with a stop codon.
Molecular consequence: nonsense.
Genome position (GRCh38, 1-based): chr15:38,512,821, G>A on the plus strand (C>T on the coding strand, the complement: RASGRP1 is on the minus strand). VCF-style: chr15-38512821-G-A. GRCh37 (hg19) VCF-style: chr15-38805022-G-A.
Other names: c.811C>T, p.Arg271Ter (NM_001128602.2, NM_001306086.2); short protein forms R271*.
Identifiers: ClinVar variation 4769429 (VCV004769429.1).
Genomic context (GRCh38, chr15:38,512,821, plus strand): 5'-ATGTCTTAAACCAGTTATTCACCTGAGCCACCTGGATGAACTTGATGAAGACTTCTGCTC[G>A]GAGCTGCGGCGTGGGGCGGCTGAGAACCATCAGTTGTACCCACTGGGAGATGCCGTTGCA-3'

ClinVar aggregate classification (germline): Pathogenic (1 of 4 stars; one submission).

gnomAD v4.1: 1 of 1,613,740 alleles (0.000062%); highest among the groups gnomAD compares: Non-Finnish European, 0.000085%; no homozygotes.

Submission:

Labcorp Genetics (formerly Invitae), Labcorp
Classification: Pathogenic. Last evaluated: 2025-07-16. Review status: criteria provided, single submitter. Criteria: Invitae Variant Classification Sherloc (09022015). Collection method: clinical testing. Allele origin: germline.
Comment: This sequence change creates a premature translational stop signal (p.Arg271*) in the RASGRP1 gene. It is expected to result in an absent or disrupted protein product. Loss-of-function variants in RASGRP1 are known to be pathogenic (PMID: 11017103, 27776107, 28822832). This variant is not present in population databases (gnomAD no frequency). This premature translational stop signal has been observed in individual(s) with clinical features of RASGRP1-related conditions (PMID: 35593944). For these reasons, this variant has been classified as Pathogenic.

Literature cited by the submitters: PubMed 11017103; PubMed 27776107; PubMed 28822832; PubMed 35593944.